The following is an entry in ClinVar:

ClinVar aggregate classification (germline): Uncertain significance (1 of 4 stars; one submission).

Allele frequency attached by ClinVar (database versions not stated): ExAC 0.00001; gnomAD 0.00001; TOPMed 0.00002.

Submission:

Labcorp Genetics (formerly Invitae), Labcorp
Classification: Uncertain significance. Last evaluated: 2021-11-28. Review status: criteria provided, single submitter. Criteria: Invitae Variant Classification Sherloc (09022015). Collection method: clinical testing. Allele origin: germline.
Comment: Experimental studies and prediction algorithms are not available or were not evaluated, and the functional significance of this variant is currently unknown. This variant has not been reported in the literature in individuals affected with SPP2-related conditions. This variant is not present in population databases (gnomAD no frequency). This sequence change creates a premature translational stop signal (p.Tyr197Profs*10) in the SPP2 gene. While this is not anticipated to result in nonsense mediated decay, it is expected to disrupt the last 15 amino acid(s) of the SPP2 protein. In summary, the available evidence is currently insufficient to determine the role of this variant in disease. Therefore, it has been classified as a Variant of Uncertain Significance.

NM_006944.3(SPP2):c.588_595del (p.Tyr197fs)

Gene: SPP2 (secreted phosphoprotein 2; plus strand). Cytogenetic location: 2q37.1.
Variant type: Deletion.
Coding change: c.588_595del on transcript NM_006944.3 (MANE Select); coding-DNA positions 588 to 595, 8 bases deleted (GTACCCAA; older notation c.588_595delGTACCCAA).
Protein change: p.Tyr197fs; shifts the reading frame from tyrosine 197.
Molecular consequence: frameshift variant.
Genome position (GRCh38, 1-based): chr2:234,069,965-234,069,972, GTACCCAA deleted. VCF-style (leftmost placement, unchanged base first): chr2-234069964-GGTACCCAA-G. GRCh37 (hg19) VCF-style: chr2-234978608-GGTACCCAA-G.
Other names: short protein forms Y197fs.
Identifiers: ClinVar variation 1499015 (VCV001499015.3), dbSNP rs769692129, ClinGen allele CA2183270.